The following is an entry in ClinVar:

ClinVar aggregate classification (germline): Conflicting classifications of pathogenicity. Review status: criteria provided, conflicting classifications (1 of 4 stars). 3 submissions from 3 submitters: Likely pathogenic (1); Uncertain significance (1). 1 of the submissions does not count toward it. Last evaluated 2024-12-05.

Conditions:
ASXL1-related disorder. Also called: ASXL1-related disorders; ASXL1-related condition.

Allele frequency attached by ClinVar (database versions not stated): gnomAD 0.00001; TOPMed 0.00001; ExAC 0.00002; gnomAD exomes 0.00002 and 0.00003.
gnomAD v4.1: 21 of 780,812 alleles (0.0027%); highest among the groups gnomAD compares: South Asian, 0.025%; no homozygotes.

Submissions (3):

GeneDx
Classification: Uncertain significance. Last evaluated: 2024-12-05. Review status: criteria provided, single submitter. Criteria: GeneDx Variant Classification Process June 2021. Collection method: clinical testing. Allele origin: germline. Affected: yes.
Comment: Canonical splice site variant predicted to result in an in-frame loss of the adjacent exon in a gene for which loss of function is a known mechanism of disease; Has not been previously published as pathogenic or benign to our knowledge

Labcorp Genetics (formerly Invitae), Labcorp
Classification: Likely pathogenic. Last evaluated: 2024-10-23. Review status: criteria provided, single submitter. Criteria: Invitae Variant Classification Sherloc (09022015). Collection method: clinical testing. Allele origin: germline.
Comment: This sequence change affects an acceptor splice site in intron 2 of the ASXL1 gene. It is expected to disrupt RNA splicing. Variants that disrupt the donor or acceptor splice site typically lead to a loss of protein function (PMID: 16199547), and loss-of-function variants in ASXL1 are known to be pathogenic (PMID: 21706002). This variant is present in population databases (rs768868045, gnomAD 0.02%). This variant has not been reported in the literature in individuals affected with ASXL1-related conditions. ClinVar contains an entry for this variant (Variation ID: 1501469). In summary, the currently available evidence indicates that the variant is pathogenic, but additional data are needed to prove that conclusively. Therefore, this variant has been classified as Likely Pathogenic.

PreventionGenetics, part of Exact Sciences
Classification: Uncertain significance for ASXL1-related condition. Last evaluated: 2023-10-25. Review status: no assertion criteria provided. Collection method: clinical testing. Allele origin: germline. Not counted in ClinVar's aggregate classification.
Comment: The ASXL1 c.141-2A>G variant is predicted to disrupt the AG splice acceptor site and interfere with normal splicing. Although the impact of this variant on splicing is cannot be predicted, exon skipping would result in a one amino acid inframe deletion. To our knowledge, this variant has not been reported in the literature. This variant is reported in 0.020% of alleles in individuals of South Asian descent in gnomAD. At this time, the clinical significance of this variant is uncertain due to the absence of conclusive functional and genetic evidence.

Literature cited by the submitters: PubMed 16199547 (cited by Labcorp Genetics (formerly Invitae), Labcorp); PubMed 21706002 (cited by Labcorp Genetics (formerly Invitae), Labcorp).

NM_015338.6(ASXL1):c.141-2A>G

Gene: ASXL1 (ASXL transcriptional regulator 1; plus strand). Cytogenetic location: 20q11.21.
Variant type: single nucleotide variant.
Coding change: c.141-2A>G on transcript NM_015338.6 (MANE Select); the canonical splice acceptor site of the intron before coding-DNA position 141, A replaced by G.
Molecular consequence: splice acceptor variant.
Genome position (GRCh38, 1-based): chr20:32,367,725, A>G. VCF-style: chr20-32367725-A-G. GRCh37 (hg19) VCF-style: chr20-30955528-A-G.
Other names: c.141-2A>G (NM_001164603.1, NM_015338.5); c.111-2A>G (NM_001363734.1).
Identifiers: ClinVar variation 1501469 (VCV001501469.9), dbSNP rs768868045, ClinGen allele CA9807992.
Genomic context (GRCh38, chr20:32,367,725, plus strand): 5'-TTTTATGGGCTATTTCCCATCATGCTGCTGTCTGCACTGCTGTTGGACCACTTTGCCTAT[A>G]GAAGGTAAATGAGTCCCTTTGGGACATATGGAATTGAGAACCTTAACTTGTTTCTGCTTC-3'